The following is an entry in ClinVar:

ClinVar aggregate classification (germline): Uncertain significance (1 of 4 stars; one submission).

gnomAD v4.1: 1 of 1,576,716 alleles (0.000063%); highest among the groups gnomAD compares: African/African-American, 0.0014%; no homozygotes.

Submission:

Labcorp Genetics (formerly Invitae), Labcorp
Classification: Uncertain significance. Last evaluated: 2024-08-02. Review status: criteria provided, single submitter. Criteria: Invitae Variant Classification Sherloc (09022015). Collection method: clinical testing. Allele origin: germline.
Comment: This sequence change replaces valine, which is neutral and non-polar, with leucine, which is neutral and non-polar, at codon 1480 of the MYCBP2 protein (p.Val1480Leu). This variant is not present in population databases (gnomAD no frequency). This variant has not been reported in the literature in individuals affected with MYCBP2-related conditions. An algorithm developed to predict the effect of missense changes on protein structure and function (PolyPhen-2) suggests that this variant is likely to be tolerated. In summary, the available evidence is currently insufficient to determine the role of this variant in disease. Therefore, it has been classified as a Variant of Uncertain Significance.

NM_015057.5(MYCBP2):c.4438G>C (p.Val1480Leu)

Gene: MYCBP2 (MYC binding protein 2; minus strand). Cytogenetic location: 13q22.3.
Variant type: single nucleotide variant.
Coding change: c.4438G>C on transcript NM_015057.5 (MANE Select); coding-DNA position 4438, G replaced by C.
Protein change: p.Val1480Leu; replaces valine 1480 with leucine.
Molecular consequence: missense variant.
Genome position (GRCh38, 1-based): chr13:77,185,877, C>G on the plus strand (G>C on the coding strand, the complement: MYCBP2 is on the minus strand). VCF-style: chr13-77185877-C-G. GRCh37 (hg19) VCF-style: chr13-77760012-C-G.
Other names: short protein forms V1480L.
Identifiers: ClinVar variation 3661275 (VCV003661275.2).